The following is an entry in ClinVar:

NM_001128178.3(NPHP1):c.995T>G (p.Leu332Ter)

Gene: NPHP1 (nephrocystin 1; minus strand). Cytogenetic location: 2q13.
Variant type: single nucleotide variant.
Coding change: c.995T>G on transcript NM_001128178.3 (MANE Select); coding-DNA position 995, T replaced by G.
Protein change: p.Leu332Ter; replaces leucine 332 with a stop codon.
Molecular consequence: nonsense.
Genome position (GRCh38, 1-based): chr2:110,160,215, A>C on the plus strand (T>G on the coding strand, the complement: NPHP1 is on the minus strand). VCF-style: chr2-110160215-A-C. GRCh37 (hg19) VCF-style: chr2-110917792-A-C.
Other names: c.1163T>G, p.Leu388Ter (NM_000272.5); c.806T>G, p.Leu269Ter (NM_001128179.3); c.992T>G, p.Leu331Ter (NM_001374256.1); c.995T>G, p.Leu332Ter (NM_001374257.1); c.1160T>G, p.Leu387Ter (NM_207181.4); short protein forms L269*, L331*, L387*, L332*, L388*.
Identifiers: ClinVar variation 2806100 (VCV002806100.3), dbSNP rs2467333810, ClinGen allele CA348089722.
Genomic context (GRCh38, chr2:110,160,215, plus strand): 5'-ACATGTCTGCTGAGAACCTGTATGCTCATTCCTGGAAGAGGAATCATTTTACAGCTCCAT[A>C]ATGTCAGAATCAATGAAATACGACTTGGTCTCGACCTAATCTGAAAGAAAAATTAGTTAT-3'

ClinVar aggregate classification (germline): Pathogenic (1 of 4 stars; one submission).

Conditions:
Nephronophthisis. Also called: Juvenile Nephronophthisis. Identifiers: Orphanet 655, MedGen C0687120, MONDO:0019005, HP:0000090.

Submission:

Labcorp Genetics (formerly Invitae), Labcorp
Classification: Pathogenic for Nephronophthisis. Last evaluated: 2023-05-13. Review status: criteria provided, single submitter. Criteria: Invitae Variant Classification Sherloc (09022015). Collection method: clinical testing. Allele origin: germline.
Comment: For these reasons, this variant has been classified as Pathogenic. This variant has not been reported in the literature in individuals affected with NPHP1-related conditions. This variant is not present in population databases (gnomAD no frequency). This sequence change creates a premature translational stop signal (p.Leu388*) in the NPHP1 gene. It is expected to result in an absent or disrupted protein product. Loss-of-function variants in NPHP1 are known to be pathogenic (PMID: 23559409).

Literature cited by the submitters: PubMed 23559409.